The following is an entry in ClinVar:

ClinVar aggregate classification (germline): Uncertain significance (1 of 4 stars; one submission).

Allele frequency attached by ClinVar (database versions not stated): ExAC 0.00003; gnomAD 0.00003; gnomAD exomes 0.00004; TOPMed 0.00005; ESP Exome Variant Server 0.00008.
gnomAD v4.1: 65 of 1,612,482 alleles (0.004%); highest among the groups gnomAD compares: Admixed American, 0.005%; 1 homozygote.

Submission:

Labcorp Genetics (formerly Invitae), Labcorp
Classification: Uncertain significance. Last evaluated: 2024-04-25. Review status: criteria provided, single submitter. Criteria: Invitae Variant Classification Sherloc (09022015). Collection method: clinical testing. Allele origin: germline.
Comment: This sequence change replaces threonine, which is neutral and polar, with methionine, which is neutral and non-polar, at codon 1105 of the FBN3 protein (p.Thr1105Met). This variant is present in population databases (rs145578557, gnomAD 0.01%). This variant has not been reported in the literature in individuals affected with FBN3-related conditions. Advanced modeling of protein sequence and biophysical properties (such as structural, functional, and spatial information, amino acid conservation, physicochemical variation, residue mobility, and thermodynamic stability) performed at Invitae indicates that this missense variant is not expected to disrupt FBN3 protein function with a negative predictive value of 80%. In summary, the available evidence is currently insufficient to determine the role of this variant in disease. Therefore, it has been classified as a Variant of Uncertain Significance.

NM_032447.5(FBN3):c.3314C>T (p.Thr1105Met)

Gene: FBN3 (fibrillin 3; minus strand). Cytogenetic location: 19p13.2.
Variant type: single nucleotide variant.
Coding change: c.3314C>T on transcript NM_032447.5 (MANE Select); coding-DNA position 3314, C replaced by T.
Protein change: p.Thr1105Met; replaces threonine 1105 with methionine.
Molecular consequence: missense variant.
Genome position (GRCh38, 1-based): chr19:8,118,920, G>A on the plus strand (C>T on the coding strand, the complement: FBN3 is on the minus strand). VCF-style: chr19-8118920-G-A. GRCh37 (hg19) VCF-style: chr19-8183804-G-A.
Other names: c.3314C>T, p.Thr1105Met (NM_001321431.2); short protein forms T1105M.
Identifiers: ClinVar variation 2902807 (VCV002902807.3), dbSNP rs145578557, ClinGen allele CA9152485.